The following is an entry in ClinVar:

NM_021975.4(RELA):c.1610T>C (p.Ile537Thr)

Gene: RELA (RELA proto-oncogene, NF-kB subunit; minus strand). Cytogenetic location: 11q13.1.
Variant type: single nucleotide variant.
Coding change: c.1610T>C on transcript NM_021975.4 (MANE Select); coding-DNA position 1610, T replaced by C.
Protein change: p.Ile537Thr; replaces isoleucine 537 with threonine.
Molecular consequence: missense variant.
Genome position (GRCh38, 1-based): chr11:65,654,424, A>G on the plus strand (T>C on the coding strand, the complement: RELA is on the minus strand). VCF-style: chr11-65654424-A-G. GRCh37 (hg19) VCF-style: chr11-65421895-A-G.
Other names: c.1601T>C, p.Ile534Thr (NM_001145138.2); c.1403T>C, p.Ile468Thr (NM_001243984.2); c.1301T>C, p.Ile434Thr (NM_001243985.2); c.1643T>C, p.Ile548Thr (NM_001404657.1); c.1583T>C, p.Ile528Thr (NM_001404658.1); c.1397T>C, p.Ile466Thr (NM_001404659.1); c.1292T>C, p.Ile431Thr (NM_001404660.1); c.1229T>C, p.Ile410Thr (NM_001404661.1); and 1 more; short protein forms I410T, I431T, I468T, I534T, I537T, I434T, I506T, I548T.
Identifiers: ClinVar variation 4152526 (VCV004152526.2).

ClinVar aggregate classification (germline): Uncertain significance. Review status: criteria provided, multiple submitters, no conflicts (2 of 4 stars). 2 submissions from 2 submitters: Uncertain significance (2). Last evaluated 2026-01-27.

Submissions (2):

Labcorp Genetics (formerly Invitae), Labcorp
Classification: Uncertain significance. Last evaluated: 2026-01-27. Review status: criteria provided, single submitter. Criteria: Invitae Variant Classification Sherloc (09022015). Collection method: clinical testing. Allele origin: germline.
Comment: This sequence change replaces isoleucine, which is neutral and non-polar, with threonine, which is neutral and polar, at codon 537 of the RELA protein (p.Ile537Thr). This variant is not present in population databases (gnomAD no frequency). This variant has not been reported in the literature in individuals affected with RELA-related conditions. ClinVar contains an entry for this variant (Variation ID: 4152526). An algorithm developed to predict the effect of missense changes on protein structure and function (PolyPhen-2) suggests that this variant is likely to be tolerated. In summary, the available evidence is currently insufficient to determine the role of this variant in disease. Therefore, it has been classified as a Variant of Uncertain Significance.

Ambry Genetics
Classification: Uncertain significance. Last evaluated: 2025-08-30. Review status: criteria provided, single submitter. Criteria: Ambry Variant Classification Scheme 2023. Collection method: clinical testing. Allele origin: germline.